The following is an entry in ClinVar:

NM_005263.5(GFI1):c.56G>T (p.Arg19Leu)

Gene: GFI1 (growth factor independent 1 transcriptional repressor; minus strand). Cytogenetic location: 1p22.1.
Variant type: single nucleotide variant.
Coding change: c.56G>T on transcript NM_005263.5 (MANE Select); coding-DNA position 56, G replaced by T.
Protein change: p.Arg19Leu; replaces arginine 19 with leucine.
Molecular consequence: missense variant.
Genome position (GRCh38, 1-based): chr1:92,483,432, C>A on the plus strand (G>T on the coding strand, the complement: GFI1 is on the minus strand). VCF-style: chr1-92483432-C-A. GRCh37 (hg19) VCF-style: chr1-92948989-C-A.
Other names: c.56G>T, p.Arg19Leu (NM_001127215.3, NM_001127216.3); short protein forms R19L.
Identifiers: ClinVar variation 3519834 (VCV003519834.1).

ClinVar aggregate classification (germline): Uncertain significance (1 of 4 stars; one submission).

Submission:

Ambry Genetics
Classification: Uncertain significance. Last evaluated: 2024-11-26. Review status: criteria provided, single submitter. Criteria: Ambry Variant Classification Scheme 2023. Collection method: clinical testing. Allele origin: germline.
Comment: The p.R19L variant (also known as c.56G>T), located in coding exon 1 of the GFI1 gene, results from a G to T substitution at nucleotide position 56. The arginine at codon 19 is replaced by leucine, an amino acid with dissimilar properties. This amino acid position is conserved. In addition, the in silico prediction for this alteration is inconclusive. Based on the available evidence, the clinical significance of this variant remains unclear.